The following is an entry in ClinVar:

ClinVar aggregate classification (germline): Pathogenic. Review status: reviewed by expert panel (3 of 4 stars). 2 submissions from 2 submitters: Pathogenic (1). 1 of the submissions does not count toward it. Last evaluated 2021-03-01.

Conditions:
Angelman syndrome (AS). Also called: HAPPY PUPPET SYNDROME. Identifiers: Orphanet 72, MedGen C0162635, MONDO:0007113, OMIM 105830. Disease mechanism: loss of function. Inheritance: AS is caused by disruption of maternally imprinted UBE3A located within the 15q11.2-q13 Angelman syndrome/Prader-Willi syndrome (AS/PWS) region., imprinting disorder.

Submissions (2):

ClinGen Rett and Angelman-like Disorders Variant Curation Expert Panel
Classification: Pathogenic for Angelman syndrome. Last evaluated: 2021-03-01. Review status: reviewed by expert panel. Criteria: ClinGen RettAS ACMG Specifications V1. Collection method: curation. Allele origin: germline. Inheritance: Autosomal dominant inheritance.
Comment: The p.Glu383Ter variant in UBE3A is predicted to cause a premature stop codon that leads to a truncated or absent protein in a gene where loss-of-function is an established mechanism. There is significant evidence that loss of this region of the gene is pathogenic (PVS1). This variant is absent from gnomAD (PM2_supporting). In summary, the p.Glu383Ter variant in UBE3A is classified as Pathogenic for Angelman syndrome based on the ACMG/AMP criteria (PVS1, PM2_supporting, PP4).

GeneDx
Classification: Pathogenic. Last evaluated: 2020-03-07. Review status: criteria provided, single submitter. Criteria: GeneDx Variant Classification Process June 2021. Collection method: clinical testing. Allele origin: germline. Affected: yes. Not counted in ClinVar's aggregate classification.
Comment: Nonsense variant predicted to result in protein truncation or nonsense mediated decay in a gene for which loss-of-function is a known mechanism of disease; Not observed in large population cohorts (Lek et al., 2016); Has not been previously published as pathogenic or benign to our knowledge

NM_130839.5(UBE3A):c.1207G>T (p.Glu403Ter)

Genes: SNHG14 (small nucleolar RNA host gene 14; plus strand), UBE3A (ubiquitin protein ligase E3A; minus strand). Cytogenetic location: 15q11.2.
Variant type: single nucleotide variant.
Coding change: c.1207G>T on transcript NM_130839.5 (MANE Select); coding-DNA position 1207, G replaced by T.
Protein change: p.Glu403Ter; replaces glutamic acid 403 with a stop codon.
Molecular consequence: nonsense. On other transcripts: non-coding transcript variant (1), intron variant (2).
Genome position (GRCh38, 1-based): chr15:25,370,967, C>A on the plus strand (G>T on the coding strand, the complement: UBE3A is on the minus strand). VCF-style: chr15-25370967-C-A. GRCh37 (hg19) VCF-style: chr15-25616114-C-A.
Other names: c.1216G>T, p.Glu406Ter (NM_000462.5); c.1207G>T, p.Glu403Ter (NM_001354505.1, NM_001354538.2, NM_001354545.2); c.1147G>T, p.Glu383Ter (NM_001354506.2, NM_001354507.2, NM_001354508.2 and 17 more transcripts); c.1030G>T, p.Glu344Ter (NM_001354546.2); c.301+4498G>T (NM_001354551.2); c.361+4498G>T (NM_001354550.2); short protein forms E383*, E344*, E403*, E406*.
Identifiers: ClinVar variation 546267 (VCV000546267.6), dbSNP rs1555400239, ClinGen allele CA391354119.